The following is an entry in ClinVar:

NM_173500.4(TTBK2):c.2473G>A (p.Val825Met)

Gene: TTBK2 (tau tubulin kinase 2; minus strand). Cytogenetic location: 15q15.2.
Variant type: single nucleotide variant.
Coding change: c.2473G>A on transcript NM_173500.4 (MANE Select); coding-DNA position 2473, G replaced by A.
Protein change: p.Val825Met; replaces valine 825 with methionine.
Molecular consequence: missense variant.
Genome position (GRCh38, 1-based): chr15:42,752,773, C>T on the plus strand (G>A on the coding strand, the complement: TTBK2 is on the minus strand). VCF-style: chr15-42752773-C-T. GRCh37 (hg19) VCF-style: chr15-43044971-C-T.
Other names: short protein forms V825M.
Identifiers: ClinVar variation 3811721 (VCV003811721.2).

ClinVar aggregate classification (germline): Uncertain significance. Review status: criteria provided, multiple submitters, no conflicts (2 of 4 stars). 2 submissions from 2 submitters: Uncertain significance (2). Last evaluated 2026-09-01.

Conditions:
Inborn genetic diseases. Identifiers: MedGen C0950123, MeSH D030342.

gnomAD v4.1: 2 of 1,614,206 alleles (0.00012%); highest among the groups gnomAD compares: Admixed American, 0.0033%; no homozygotes.

Submissions (2):

CeGaT Center for Human Genetics Tuebingen
Classification: Uncertain significance. Last evaluated: 2026-09-01. Review status: criteria provided, single submitter. Criteria: CeGaT Center For Human Genetics Tuebingen Variant Classification Criteria Version 2. Collection method: clinical testing. Allele origin: germline. Affected: yes. Observed: 1 variant allele.
Comment: TTBK2: PM2, BP4

Ambry Genetics
Classification: Uncertain significance for Inborn genetic diseases. Last evaluated: 2025-02-07. Review status: criteria provided, single submitter. Criteria: Ambry Variant Classification Scheme 2023. Collection method: clinical testing. Allele origin: germline.